The following is an entry in ClinVar:

ClinVar aggregate classification (germline): Likely benign. Review status: criteria provided, multiple submitters, no conflicts (2 of 4 stars). 2 submissions from 2 submitters: Likely benign (2). Last evaluated 2024-03-06.

Conditions:
Sialuria. Also called: SIALURIA, FRENCH TYPE; Sialic Acid Storage Disease. Identifiers: Orphanet 3166, MedGen C0342853, MONDO:0010028, OMIM 269921.
GNE myopathy (NM). Also called: NONAKA DISTAL MYOPATHY; INCLUSION BODY MYOPATHY, HEREDITARY, AUTOSOMAL RECESSIVE; INCLUSION BODY MYOPATHY 2, AUTOSOMAL RECESSIVE; MYOPATHY, DISTAL, WITH OR WITHOUT RIMMED VACUOLES; IBM 2; Inclusion body myopathy autosomal recessive. Identifiers: Orphanet 602, MedGen C1853926, MONDO:0011603, OMIM 605820.

Submissions (2):

Labcorp Genetics (formerly Invitae), Labcorp
Classification: Likely benign for Sialuria; GNE myopathy. Last evaluated: 2024-03-06. Review status: criteria provided, single submitter. Criteria: Invitae Variant Classification Sherloc (09022015). Collection method: clinical testing. Allele origin: germline.

CeGaT Center for Human Genetics Tuebingen
Classification: Likely benign. Last evaluated: 2023-02-01. Review status: criteria provided, single submitter. Criteria: CeGaT Center For Human Genetics Tuebingen Variant Classification Criteria Version 2. Collection method: clinical testing. Allele origin: germline. Affected: yes. Observed: 1 variant allele.
Comment: GNE: PM2:Supporting, BP4, BP7

NM_005476.7(GNE):c.1821C>T (p.Asp607=)

Gene: GNE (glucosamine (UDP-N-acetyl)-2-epimerase/N-acetylmannosamine kinase; minus strand). Cytogenetic location: 9p13.3.
Variant type: single nucleotide variant.
Coding change: c.1821C>T on transcript NM_005476.7 (MANE Select); coding-DNA position 1821, C replaced by T.
Protein change: p.Asp607=; no amino-acid change (aspartic acid 607 retained).
Molecular consequence: synonymous variant.
Genome position (GRCh38, 1-based): chr9:36,218,295, G>A on the plus strand (C>T on the coding strand, the complement: GNE is on the minus strand). VCF-style: chr9-36218295-G-A. GRCh37 (hg19) VCF-style: chr9-36218292-G-A.
Other names: c.1914C>T, p.Asp638= (NM_001128227.3); c.1599C>T, p.Asp533= (NM_001190383.3); c.1491C>T, p.Asp497= (NM_001190384.3); c.1644C>T, p.Asp548= (NM_001190388.2, NM_001374798.1); c.1668C>T, p.Asp556= (NM_001374797.1).
Identifiers: ClinVar variation 2499092 (VCV002499092.31), dbSNP rs2489592600, ClinGen allele CA464494867.